The following is an entry in ClinVar:

NC_000006.11:g.(?_162394314)_(162864525_?)del

Gene: PRKN (parkin RBR E3 ubiquitin protein ligase; minus strand). Cytogenetic location: 6q26.
Variant type: Deletion.
Identifiers: ClinVar variation 2425157 (VCV002425157.4).

ClinVar aggregate classification (germline): Pathogenic (1 of 4 stars; one submission).

Submission:

Labcorp Genetics (formerly Invitae), Labcorp
Classification: Pathogenic. Last evaluated: 2022-06-10. Review status: criteria provided, single submitter. Criteria: Invitae Variant Classification Sherloc (09022015). Collection method: clinical testing. Allele origin: germline.
Comment: For these reasons, this variant has been classified as Pathogenic. A similar copy number variant has been observed in individual(s) with Parkinson disease (PMID: 20399249). This variant is a gross deletion of the genomic region encompassing exon(s) 2-6 of the PRKN gene. This deletion is out-of-frame, and is expected to create a premature termination codon and result in an absent or disrupted protein product. Loss-of-function variants in PRKN are known to be pathogenic (PMID: 10072423, 20301651, 22956510).

Literature cited by the submitters: PubMed 20399249; PubMed 10072423; PubMed 20301651; PubMed 22956510.